The following is an entry in ClinVar:

ClinVar aggregate classification (germline): Likely benign (1 of 4 stars; one submission).

Submission:

CeGaT Center for Human Genetics Tuebingen
Classification: Likely benign. Last evaluated: 2026-03-01. Review status: criteria provided, single submitter. Criteria: CeGaT Center For Human Genetics Tuebingen Variant Classification Criteria Version 2. Collection method: clinical testing. Allele origin: germline. Affected: yes. Observed: 1 variant allele.
Comment: LUZP1: BP4, BP7, BS1

NM_001395462.2(LUZP1):c.2196T>C (p.Asp732=)

Gene: LUZP1 (leucine zipper protein 1; minus strand). Cytogenetic location: 1p36.12.
Variant type: single nucleotide variant.
Coding change: c.2196T>C on transcript NM_001395462.2 (MANE Select); coding-DNA position 2196, T replaced by C.
Protein change: p.Asp732=; no amino-acid change (aspartic acid 732 retained).
Molecular consequence: synonymous variant.
Genome position (GRCh38, 1-based): chr1:23,092,066, A>G on the plus strand (T>C on the coding strand, the complement: LUZP1 is on the minus strand). VCF-style: chr1-23092066-A-G. GRCh37 (hg19) VCF-style: chr1-23418559-A-G.
Other names: c.2196T>C, p.Asp732= (NM_001142546.4, NM_001395461.1, NM_033631.5).
Identifiers: ClinVar variation 4821555 (VCV004821555.4).
Genomic context (GRCh38, chr1:23,092,066, plus strand): 5'-AGACCGCAACGCCTCTCTGGGGCTAAAGGGCCTTTGGCTTTTTACCCCAGCACCATTGGT[A>G]TCTGGGAGCTCCATGGTATTGGTGGAGGCTCTGACAGATTTCACAGATTCATTCTCCATT-3'
Protein context (NP_001382391.1, residues 722-742): RASTNTMELP[Asp732=]TNGAGVKSQR